The following is an entry in ClinVar:

ClinVar aggregate classification (germline): Likely benign. Review status: criteria provided, multiple submitters, no conflicts (2 of 4 stars). 3 submissions from 3 submitters: Likely benign (3). Last evaluated 2022-05-27.

Conditions:
Familial thoracic aortic aneurysm and aortic dissection (TAAD). Also called: Thoracic aortic aneurysms and dissections. Identifiers: Orphanet 91387, MedGen C4707243, MONDO:0019625.

Allele frequency attached by ClinVar (database versions not stated): ESP Exome Variant Server 0.00008; 1000 Genomes Project 30x 0.00016; 1000 Genomes Project 0.00020; gnomAD exomes 0.00003; ExAC 0.00004; gnomAD 0.00004 and 0.00005; TOPMed 0.00005.
gnomAD v4.1: 29 of 1,613,974 alleles (0.0018%); highest among the groups gnomAD compares: African/African-American, 0.0093%; no homozygotes.

Submissions (3):

Ambry Genetics
Classification: Likely benign for Familial thoracic aortic aneurysm and aortic dissection. Last evaluated: 2022-05-27. Review status: criteria provided, single submitter. Criteria: Ambry Variant Classification Scheme 2023. Collection method: clinical testing. Allele origin: germline.

Color Diagnostics, LLC DBA Color Health
Classification: Likely benign for Familial thoracic aortic aneurysm and aortic dissection. Last evaluated: 2018-11-28. Review status: criteria provided, single submitter. Criteria: ACMG Guidelines, 2015. Collection method: clinical testing. Allele origin: germline.

GeneDx
Classification: Likely benign. Last evaluated: 2013-01-30. Review status: criteria provided, single submitter. Criteria: GeneDx Variant Classification (06012015). Collection method: clinical testing. Allele origin: germline. Affected: yes.
Comment: This variant is considered likely benign or benign based on one or more of the following criteria: it is a conservative change, it occurs at a poorly conserved position in the protein, it is predicted to be benign by multiple in silico algorithms, and/or has population frequency not consistent with disease.

NM_002474.3(MYH11):c.5873C>T (p.Thr1958Met)

Genes: MYH11 (myosin heavy chain 11; minus strand), NDE1 (nudE neurodevelopment protein 1; plus strand). Cytogenetic location: 16p13.11.
Variant type: single nucleotide variant.
Coding change: c.5873C>T on transcript NM_002474.3 (MANE Select); coding-DNA position 5873, C replaced by T.
Protein change: p.Thr1958Met; replaces threonine 1958 with methionine.
Molecular consequence: missense variant. On other transcripts: 3 prime UTR variant (2), intron variant (2).
Genome position (GRCh38, 1-based): chr16:15,704,037, G>A on the plus strand (C>T on the coding strand, the complement: MYH11 is on the minus strand). VCF-style: chr16-15704037-G-A. GRCh37 (hg19) VCF-style: chr16-15797894-G-A.
Other names: p.T1958M:ACG>ATG; c.*95C>T (NM_001040113.2, NM_022844.3); c.5894C>T, p.Thr1965Met (NM_001040114.2); c.947+7177G>A (NM_001143979.2, NM_017668.3); short protein forms T1958M, T1965M.
Identifiers: ClinVar variation 201045 (VCV000201045.5), dbSNP rs149701021, ClinGen allele CA306484.